The following is an entry in ClinVar:

ClinVar aggregate classification (germline): Uncertain significance (1 of 4 stars; one submission).

Conditions:
Pitt-Hopkins-like syndrome 2 (PTHSL2). Identifiers: Orphanet 221150, Orphanet 600663, MedGen C3280479, MONDO:0013690, OMIM 614325.

Submission:

Labcorp Genetics (formerly Invitae), Labcorp
Classification: Uncertain significance for Pitt-Hopkins-like syndrome 2. Last evaluated: 2022-12-06. Review status: criteria provided, single submitter. Criteria: Invitae Variant Classification Sherloc (09022015). Collection method: clinical testing. Allele origin: germline.
Comment: In summary, the available evidence is currently insufficient to determine the role of this variant in disease. Therefore, it has been classified as a Variant of Uncertain Significance. Algorithms developed to predict the effect of missense changes on protein structure and function are either unavailable or do not agree on the potential impact of this missense change (SIFT: "Deleterious"; PolyPhen-2: "Probably Damaging"; Align-GVGD: "Class C15"). ClinVar contains an entry for this variant (Variation ID: 574160). This variant has not been reported in the literature in individuals affected with NRXN1-related conditions. This variant is not present in population databases (gnomAD no frequency). This sequence change replaces proline, which is neutral and non-polar, with leucine, which is neutral and non-polar, at codon 946 of the NRXN1 protein (p.Pro946Leu).

NM_001330078.2(NRXN1):c.2717C>T (p.Pro906Leu)

Gene: NRXN1 (neurexin 1; minus strand). Cytogenetic location: 2p16.3.
Variant type: single nucleotide variant.
Coding change: c.2717C>T on transcript NM_001330078.2 (MANE Select); coding-DNA position 2717, C replaced by T.
Protein change: p.Pro906Leu; replaces proline 906 with leucine.
Molecular consequence: missense variant.
Genome position (GRCh38, 1-based): chr2:50,497,495, G>A on the plus strand (C>T on the coding strand, the complement: NRXN1 is on the minus strand). VCF-style: chr2-50497495-G-A. GRCh37 (hg19) VCF-style: chr2-50724633-G-A.
Other names: c.2837C>T, p.Pro946Leu (NM_001135659.3); c.2693C>T, p.Pro898Leu (NM_001330077.2, NM_001330082.2); c.2651C>T, p.Pro884Leu (NM_001330083.2, NM_001330084.2); c.2690C>T, p.Pro897Leu (NM_001330085.2); c.2717C>T, p.Pro906Leu (NM_001330086.2, NM_004801.6); c.2606C>T, p.Pro869Leu (NM_001330087.2, NM_001330096.2); c.2636C>T, p.Pro879Leu (NM_001330088.2); c.2714C>T, p.Pro905Leu (NM_001330093.2); and 2 more; short protein forms P946L, P884L, P906L, P889L, P905L, P869L, P897L, P898L.
Identifiers: ClinVar variation 574160 (VCV000574160.8), dbSNP rs1558833706, ClinGen allele CA346777025.